The following is an entry in ClinVar:

NM_000352.6(ABCC8):c.4274T>C (p.Leu1425Pro)

Gene: ABCC8 (ATP binding cassette subfamily C member 8; minus strand). Cytogenetic location: 11p15.1.
Variant type: single nucleotide variant.
Coding change: c.4274T>C on transcript NM_000352.6 (MANE Select); coding-DNA position 4274, T replaced by C.
Protein change: p.Leu1425Pro; replaces leucine 1425 with proline.
Molecular consequence: missense variant. On other transcripts: non-coding transcript variant (1).
Genome position (GRCh38, 1-based): chr11:17,395,643, A>G on the plus strand (T>C on the coding strand, the complement: ABCC8 is on the minus strand). VCF-style: chr11-17395643-A-G. GRCh37 (hg19) VCF-style: chr11-17417190-A-G.
Other names: c.4277T>C, p.Leu1426Pro (NM_001287174.3); c.4340T>C, p.Leu1447Pro (NM_001351295.2); c.4274T>C, p.Leu1425Pro (NM_001351296.2); c.4271T>C, p.Leu1424Pro (NM_001351297.2); short protein forms L1424P, L1425P, L1426P, L1447P.
Identifiers: ClinVar variation 994766 (VCV000994766.3), dbSNP rs1953879871, ClinGen allele CA379786551.
Genomic context (GRCh38, chr11:17,395,643, plus strand): 5'-GTGGGCCTGAGGGGTGGTGGGGCTCACCGGATGGTGCCGCTGAAGAGGACGGGGTCCTGC[A>G]GGATGATGGAGAGGCGTGAGCGCAGGGTGTGCAGCGGCAGTTTGGCGATGTCAATGCCAT-3'
Protein context (NP_000343.2, residues 1415-1435): HTLRSRLSII[Leu1425Pro]QDPVLFSGTI

ClinVar aggregate classification (germline): Uncertain significance. Review status: criteria provided, multiple submitters, no conflicts (2 of 4 stars). 3 submissions from 2 submitters: Uncertain significance (3). Last evaluated 2021-07-28.

Conditions:
Transitory neonatal diabetes mellitus. Also called: Transient neonatal diabetes mellitus. Identifiers: MedGen C0342273, MONDO:0020525, HP:0008255.
Maturity-onset diabetes of the young (MODY). Also called: Maturity onset diabetes mellitus in young. Identifiers: Orphanet 552, MedGen C0342276, MONDO:0018911, HP:0004904.

Submissions (3):

Athena Diagnostics
Classification: Uncertain significance. Last evaluated: 2021-07-28. Review status: criteria provided, single submitter. Criteria: Athena Diagnostics Criteria. Collection method: clinical testing. Allele origin: unknown.

Clinical Genomics, Uppaluri K&H Personalized Medicine Clinic
Classification: Uncertain significance for Transitory neonatal diabetes mellitus. Review status: criteria provided, single submitter. Criteria: K & H Uppaluri Personalized Medicine Clinic Variant Classification & Assertion Criteria_Updated V.1. Collection method: research. Allele origin: somatic. Inheritance: Somatic mutation.
Comment: Mutations in ABCC8 gene are associated with both neonatal diabetes mellitus as well as MODY. Patients with this mutation may have a better response to sulfonylureas. However, no sufficient evidence is found to ascertain the role of this particular variant (rs1953879871 ) in neonatal diabetes yet.

Clinical Genomics, Uppaluri K&H Personalized Medicine Clinic
Classification: Uncertain significance for Maturity-onset diabetes of the young. Review status: criteria provided, single submitter. Criteria: K & H Uppaluri Personalized Medicine Clinic Variant Classification & Assertion Criteria_Updated V.1. Collection method: research. Allele origin: somatic. Inheritance: Somatic mutation.
Comment: Mutations in ABCC8 gene are associated with both neonatal diabetes mellitus as well as MODY. Patients with this mutation may have a better response to sulfonylureas. However, no sufficient evidence is found to ascertain the role of this particular variant ( rs1953879871) in MODY yet.

Literature cited by the submitters: PubMed 16885549 (cited by Clinical Genomics, Uppaluri K&H Personalized Medicine Clinic); PubMed 21989597 (cited by Clinical Genomics, Uppaluri K&H Personalized Medicine Clinic); PubMed 27538677 (cited by Clinical Genomics, Uppaluri K&H Personalized Medicine Clinic); PubMed 18981553 (cited by Clinical Genomics, Uppaluri K&H Personalized Medicine Clinic); PubMed 32027066 (cited by Clinical Genomics, Uppaluri K&H Personalized Medicine Clinic); PubMed 16613899 (cited by Clinical Genomics, Uppaluri K&H Personalized Medicine Clinic); PubMed 18025408 (cited by Clinical Genomics, Uppaluri K&H Personalized Medicine Clinic); PubMed 32792356 (cited by Clinical Genomics, Uppaluri K&H Personalized Medicine Clinic).